The following is an entry in ClinVar:

NM_182961.4(SYNE1):c.12079-103del

Gene: SYNE1 (spectrin repeat containing nuclear envelope protein 1; minus strand). Cytogenetic location: 6q25.2.
Variant type: Deletion.
Coding change: c.12079-103del on transcript NM_182961.4 (MANE Select); 103 bases into the intron before coding-DNA position 12079, one base deleted (G; older notation c.12079-103delG).
Molecular consequence: intron variant.
Genome position (GRCh38, 1-based): chr6:152,344,330, C deleted on the plus strand (G on the coding strand, the reverse complement: SYNE1 is on the minus strand); the first of 6 consecutive C bases (chr6:152,344,330-152,344,335); deleting any one gives the same sequence. VCF-style (leftmost placement, unchanged base first): chr6-152344329-TC-T. GRCh37 (hg19) VCF-style: chr6-152665464-TC-T.
Other names: c.11866-103del (NM_033071.5).
Identifiers: ClinVar variation 670172 (VCV000670172.1), dbSNP rs35003170, ClinGen allele CA150192644.

ClinVar aggregate classification (germline): Benign (1 of 4 stars; one submission).

Submission:

GeneDx
Classification: Benign. Last evaluated: 2018-06-14. Review status: criteria provided, single submitter. Criteria: GeneDx Variant Classification (06012015). Collection method: clinical testing. Allele origin: germline. Affected: yes.
Comment: This variant is considered likely benign or benign based on one or more of the following criteria: it is a conservative change, it occurs at a poorly conserved position in the protein, it is predicted to be benign by multiple in silico algorithms, and/or has population frequency not consistent with disease.